The following is an entry in ClinVar:

ClinVar aggregate classification (germline): Pathogenic. Review status: criteria provided, multiple submitters, no conflicts (2 of 4 stars). 4 submissions from 4 submitters: Pathogenic (4). Last evaluated 2025-07-09.

Conditions:
TAB2-related disorder.
Congenital heart defects, multiple types, 2 (CHTD2). Also called: Congenital heart defects, nonsyndromic, 2. Identifiers: Orphanet 664401, MedGen C3554279, MONDO:0014000, OMIM 614980.

Submissions (4):

PreventionGenetics, part of Exact Sciences
Classification: Pathogenic for TAB2-related condition. Last evaluated: 2025-07-09. Review status: criteria provided, single submitter. Criteria: ACMG Guidelines, 2015. Collection method: clinical testing. Allele origin: germline.
Comment: The TAB2 c.1321C>T variant is predicted to result in premature protein termination (p.Arg441*). This variant has been reported de novo in individuals with syndromic congenital heart defects (see for example: Table S1, Hanson et al. 2021. PubMed ID: 34741306; Micale et al. 2021. PubMed ID: 34906501; Woods et al. 2022. PubMed ID: 35971781). Experimental studies indicate this variant impacts protein function (Micale et al. 2021. PubMed ID: 34906501). This variant has not been reported in a large population database, indicating it is rare. Nonsense variants in TAB2 are expected to be pathogenic. This variant is interpreted as pathogenic.

GeneDx
Classification: Pathogenic. Last evaluated: 2025-04-23. Review status: criteria provided, single submitter. Criteria: GeneDx Variant Classification Process June 2021. Collection method: clinical testing. Allele origin: germline.
Comment: Nonsense variant predicted to result in protein truncation or nonsense mediated decay in a gene for which loss of function is a known mechanism of disease; Also observed as an inherited variant in patients referred for genetic testing at GeneDx, including from an unaffected parent who is mosaic for the variant and from an affected parent who is heterozygous for the variant; Not observed in large population cohorts (gnomAD); This variant is associated with the following publications: (PMID: 34995729, 34741306, 34906501, 35982159, 33057194, 35971781)

Labcorp Genetics (formerly Invitae), Labcorp
Classification: Pathogenic. Last evaluated: 2024-10-22. Review status: criteria provided, single submitter. Criteria: Invitae Variant Classification Sherloc (09022015). Collection method: clinical testing. Allele origin: germline.
Comment: This sequence change creates a premature translational stop signal (p.Arg441*) in the TAB2 gene. It is expected to result in an absent or disrupted protein product. Loss-of-function variants in TAB2 are known to be pathogenic (PMID: 28386937, 31250519). This variant is not present in population databases (gnomAD no frequency). This premature translational stop signal has been observed in individual(s) with TAB2-related conditions (PMID: 34741306, 34995729). In at least one individual the variant was observed to be de novo. ClinVar contains an entry for this variant (Variation ID: 488615). Algorithms developed to predict the effect of sequence changes on RNA splicing suggest that this variant may create or strengthen a splice site. For these reasons, this variant has been classified as Pathogenic.

Institute of Human Genetics Munich, TUM University Hospital
Classification: Pathogenic for Congenital heart defects, multiple types, 2. Last evaluated: 2017-12-07. Review status: criteria provided, single submitter. Criteria: Classification criteria August 2017. Collection method: clinical testing. Allele origin: de novo. Inheritance: Autosomal dominant inheritance. Affected: yes. Observed: 1 heterozygote.

Literature cited by the submitters: PubMed 28386937 (cited by Labcorp Genetics (formerly Invitae), Labcorp); PubMed 31250519 (cited by Labcorp Genetics (formerly Invitae), Labcorp); PubMed 34741306 (cited by Labcorp Genetics (formerly Invitae), Labcorp); PubMed 34995729 (cited by Labcorp Genetics (formerly Invitae), Labcorp).

NM_001292034.3(TAB2):c.1321C>T (p.Arg441Ter)

Genes: TAB2 (TGF-beta activated kinase 1 (MAP3K7) binding protein 2; plus strand), LOC126859827 (BRD4-independent group 4 enhancer GRCh37_chr6:149699707-149700906; plus strand). Cytogenetic location: 6q25.1.
Variant type: single nucleotide variant.
Coding change: c.1321C>T on transcript NM_001292034.3 (MANE Select); coding-DNA position 1321, C replaced by T.
Protein change: p.Arg441Ter; replaces arginine 441 with a stop codon.
Molecular consequence: nonsense.
Genome position (GRCh38, 1-based): chr6:149,379,236, C>T. VCF-style: chr6-149379236-C-T. GRCh37 (hg19) VCF-style: chr6-149700372-C-T.
Other names: c.1321C>T (NM_015093.4, NM_015093.5); c.1225C>T, p.Arg409Ter (NM_001292035.3); c.1321C>T, p.Arg441Ter (NM_001369506.1, NM_015093.6); short protein forms R441*, R409*.
Identifiers: ClinVar variation 488615 (VCV000488615.9), dbSNP rs1554263321, ClinGen allele CA365998906.